The following is an entry in ClinVar:

ClinVar aggregate classification (germline): Pathogenic/Likely pathogenic. Review status: criteria provided, multiple submitters, no conflicts (2 of 4 stars). 5 submissions from 5 submitters: Pathogenic (1); Likely pathogenic (4). Last evaluated 2025-11-13.

Conditions:
ETFDH-related disorder. Also called: ETFDH-related condition.
Multiple acyl-CoA dehydrogenase deficiency (MADD). Also called: Glutaric Acidemia type 2; ETHYLMALONIC-ADIPICACIDURIA; GA II; Glutaric aciduria, type 2; Glutaric acidemia type II; GA 2. Identifiers: Orphanet 26791, MedGen C0268596, MONDO:0009282, OMIM 231680.

Allele frequency attached by ClinVar (database versions not stated): gnomAD exomes below 0.00001; ExAC 0.00001; gnomAD 0.00001; TOPMed 0.00002.
gnomAD v4.1: 9 of 1,603,446 alleles (0.00056%); highest among the groups gnomAD compares: Non-Finnish European, 0.00077%; no homozygotes.

Submissions (5):

Labcorp Genetics (formerly Invitae), Labcorp
Classification: Pathogenic for Multiple acyl-CoA dehydrogenase deficiency. Last evaluated: 2025-11-13. Review status: criteria provided, single submitter. Criteria: Invitae Variant Classification Sherloc (09022015). Collection method: clinical testing. Allele origin: germline.
Comment: This sequence change replaces aspartic acid, which is acidic and polar, with asparagine, which is neutral and polar, at codon 218 of the ETFDH protein (p.Asp218Asn). This variant is present in population databases (rs748289922, gnomAD 0.007%). This missense change has been observed in individual(s) with multiple acyl-CoA dehydrogenase deficiency (PMID: 12359134, 17977044; internal data). ClinVar contains an entry for this variant (Variation ID: 1519714). Invitae Evidence Modeling of protein sequence and biophysical properties (such as structural, functional, and spatial information, amino acid conservation, physicochemical variation, residue mobility, and thermodynamic stability) indicates that this missense variant is expected to disrupt ETFDH protein function with a positive predictive value of 80%. For these reasons, this variant has been classified as Pathogenic.

Baylor Genetics
Classification: Likely pathogenic for Multiple acyl-CoA dehydrogenase deficiency. Last evaluated: 2024-02-14. Review status: criteria provided, single submitter. Criteria: ACMG Guidelines, 2015. Collection method: clinical testing. Allele origin: unknown.

Fulgent Genetics
Classification: Likely pathogenic for Multiple acyl-CoA dehydrogenase deficiency. Last evaluated: 2024-01-18. Review status: criteria provided, single submitter. Criteria: ACMG Guidelines, 2015. Collection method: clinical testing. Allele origin: germline.

Blueprint Genetics
Classification: Likely pathogenic for ETFDH-related disorders. Last evaluated: 2023-05-23. Review status: criteria provided, single submitter. Criteria: ACMG Guidelines, 2015. Collection method: clinical testing. Allele origin: germline. Affected: yes. Observed: 3 variant alleles.

Women's Health and Genetics/Laboratory Corporation of America, LabCorp
Classification: Likely pathogenic for Multiple acyl-CoA dehydrogenase deficiency. Last evaluated: 2023-03-14. Review status: criteria provided, single submitter. Criteria: LabCorp Variant Classification Summary - May 2015. Collection method: clinical testing. Allele origin: germline.
Comment: Variant summary: ETFDH c.652G>A (p.Asp218Asn) results in a conservative amino acid change in the encoded protein sequence. Three of five in-silico tools predict a damaging effect of the variant on protein function. The variant allele was found at a frequency of 4e-06 in 251406 control chromosomes. c.652G>A has been reported in the literature in individuals affected with clinically and biochemically supportive diagnosis of Glutaric Aciduria, Type 2c (example, Goodman_2002, Angle_2008). To our knowledge, no experimental evidence demonstrating an impact on protein function has been reported. One clinical diagnostic laboratory has submitted clinical-significance assessments for this variant to ClinVar after 2014 and classified the variant as pathogenic. Based on the evidence outlined above, the variant was classified as likely pathogenic.

Literature cited by the submitters: PubMed 12359134 (cited by Labcorp Genetics (formerly Invitae), Labcorp and Women's Health and Genetics/Laboratory Corporation of America, LabCorp); PubMed 17977044 (cited by Labcorp Genetics (formerly Invitae), Labcorp and Women's Health and Genetics/Laboratory Corporation of America, LabCorp); PubMed 25200064 (cited by Women's Health and Genetics/Laboratory Corporation of America, LabCorp); PubMed 33823724 (cited by Women's Health and Genetics/Laboratory Corporation of America, LabCorp).

NM_004453.4(ETFDH):c.652G>A (p.Asp218Asn)

Gene: ETFDH (electron transfer flavoprotein dehydrogenase; plus strand). Cytogenetic location: 4q32.1.
Variant type: single nucleotide variant.
Coding change: c.652G>A on transcript NM_004453.4 (MANE Select); coding-DNA position 652, G replaced by A.
Protein change: p.Asp218Asn; replaces aspartic acid 218 with asparagine.
Molecular consequence: missense variant.
Genome position (GRCh38, 1-based): chr4:158,690,393, G>A. VCF-style: chr4-158690393-G-A. GRCh37 (hg19) VCF-style: chr4-159611545-G-A.
Other names: c.511G>A, p.Asp171Asn (NM_001281737.2); c.469G>A, p.Asp157Asn (NM_001281738.1); c.652G>A (NM_004453.3); short protein forms D157N, D218N, D171N.
Identifiers: ClinVar variation 1519714 (VCV001519714.10), dbSNP rs748289922, ClinGen allele CA3122424.